The following is an entry in ClinVar:

NM_001017420.3(ESCO2):c.54-1G>A

Gene: ESCO2 (establishment of sister chromatid cohesion N-acetyltransferase 2; plus strand). Cytogenetic location: 8p21.1.
Variant type: single nucleotide variant.
Coding change: c.54-1G>A on transcript NM_001017420.3 (MANE Select); the canonical splice acceptor site of the intron before coding-DNA position 54, G replaced by A.
Molecular consequence: splice acceptor variant.
Genome position (GRCh38, 1-based): chr8:27,776,361, G>A. VCF-style: chr8-27776361-G-A. GRCh37 (hg19) VCF-style: chr8-27633878-G-A.
Identifiers: ClinVar variation 2099818 (VCV002099818.4), dbSNP rs2486626101, ClinGen allele CA370815928.
Genomic context (GRCh38, chr8:27,776,361, plus strand): 5'-TAGATTTATGTAAATTTTGACGCAAAATAATCTTATCAATGGACTTTGTTTCTTTTTATA[G>A]CCTTTTACACTTCACTGAAAATCTGTTTCCATCACCTAATAAAAAGCACTGTTTTTATCA-3'

ClinVar aggregate classification (germline): Likely pathogenic (1 of 4 stars; one submission).

Allele frequency attached by ClinVar (database versions not stated): gnomAD exomes below 0.00001.
gnomAD v4.1: 1 of 1,601,170 alleles (0.000062%); highest among the groups gnomAD compares: Non-Finnish European, 0.000085%; no homozygotes.

Submission:

Labcorp Genetics (formerly Invitae), Labcorp
Classification: Likely pathogenic. Last evaluated: 2022-03-02. Review status: criteria provided, single submitter. Criteria: Invitae Variant Classification Sherloc (09022015). Collection method: clinical testing. Allele origin: germline.
Comment: This variant is not present in population databases (gnomAD no frequency). This sequence change affects an acceptor splice site in intron 2 of the ESCO2 gene. It is expected to disrupt RNA splicing. Variants that disrupt the donor or acceptor splice site typically lead to a loss of protein function (PMID: 16199547), and loss-of-function variants in ESCO2 are known to be pathogenic (PMID: 15821733, 16380922). This variant has not been reported in the literature in individuals affected with ESCO2-related conditions. Algorithms developed to predict the effect of sequence changes on RNA splicing suggest that this variant may disrupt the consensus splice site. In summary, the currently available evidence indicates that the variant is pathogenic, but additional data are needed to prove that conclusively. Therefore, this variant has been classified as Likely Pathogenic.

Literature cited by the submitters: PubMed 16199547; PubMed 15821733; PubMed 16380922.